The following is an entry in ClinVar:

ClinVar aggregate classification (germline): Uncertain significance (1 of 4 stars; one submission).

Conditions:
Bardet-Biedl syndrome (BBS). Identifiers: Orphanet 110, MedGen C0752166, MONDO:0015229.

Submission:

Labcorp Genetics (formerly Invitae), Labcorp
Classification: Uncertain significance for Bardet-Biedl syndrome. Last evaluated: 2021-10-21. Review status: criteria provided, single submitter. Criteria: Invitae Variant Classification Sherloc (09022015). Collection method: clinical testing. Allele origin: germline.
Comment: This variant has not been reported in the literature in individuals affected with BBS12-related conditions. Algorithms developed to predict the effect of missense changes on protein structure and function (SIFT, PolyPhen-2, Align-GVGD) all suggest that this variant is likely to be disruptive. Algorithms developed to predict the effect of sequence changes on RNA splicing suggest that this variant may create or strengthen a splice site. In summary, the available evidence is currently insufficient to determine the role of this variant in disease. Therefore, it has been classified as a Variant of Uncertain Significance. This variant is not present in population databases (ExAC no frequency). This sequence change replaces proline with alanine at codon 321 of the BBS12 protein (p.Pro321Ala). The proline residue is highly conserved and there is a small physicochemical difference between proline and alanine.

NM_152618.3(BBS12):c.961C>G (p.Pro321Ala)

Gene: BBS12 (Bardet-Biedl syndrome 12; plus strand). Cytogenetic location: 4q27.
Variant type: single nucleotide variant.
Coding change: c.961C>G on transcript NM_152618.3 (MANE Select); coding-DNA position 961, C replaced by G.
Protein change: p.Pro321Ala; replaces proline 321 with alanine.
Molecular consequence: missense variant.
Genome position (GRCh38, 1-based): chr4:122,742,853, C>G. VCF-style: chr4-122742853-C-G. GRCh37 (hg19) VCF-style: chr4-123664008-C-G.
Other names: c.961C>G, p.Pro321Ala (NM_001178007.2); short protein forms P321A.
Identifiers: ClinVar variation 1512873 (VCV001512873.6), dbSNP rs2150736703, ClinGen allele CA358224095.
Genomic context (GRCh38, chr4:122,742,853, plus strand): 5'-CAAGGCAACTGTACAAAACCATTTATGTTTGACATTTCAAGAATTTTCACTTGCTGTCTA[C>G]CAGGCTTACCTGAAACTTCTTCTTGTGTTTGTCCAGGATATATCACTGTTGTGTCAGTAT-3'
Protein context (NP_689831.2, residues 311-331): DISRIFTCCL[Pro321Ala]GLPETSSCVC